The following is an entry in ClinVar:

ClinVar aggregate classification (germline): Likely benign. Review status: criteria provided, multiple submitters, no conflicts (2 of 4 stars). 2 submissions from 2 submitters: Likely benign (2). Last evaluated 2025-04-01.

Conditions:
Early-infantile DEE. Also called: Early infantile epileptic encephalopathy; Ohtahara syndrome; Early infantile epileptic encephalopathy with suppression bursts. Identifiers: Orphanet 1934, MedGen C0393706, MONDO:0800491.

Allele frequency attached by ClinVar (database versions not stated): TOPMed 0.00002; gnomAD 0.00003 and 0.00004; ExAC 0.00004; gnomAD exomes 0.00005; ESP Exome Variant Server 0.00008.
gnomAD v4.1: 84 of 1,601,840 alleles (0.0052%); highest among the groups gnomAD compares: Non-Finnish European, 0.0067%; no homozygotes.

Submissions (2):

Labcorp Genetics (formerly Invitae), Labcorp
Classification: Likely benign for Early-infantile DEE. Last evaluated: 2025-04-01. Review status: criteria provided, single submitter. Criteria: Invitae Variant Classification Sherloc (09022015). Collection method: clinical testing. Allele origin: germline.

CeGaT Center for Human Genetics Tuebingen
Classification: Likely benign. Last evaluated: 2022-10-01. Review status: criteria provided, single submitter. Criteria: CeGaT Center For Human Genetics Tuebingen Variant Classification Criteria Version 2. Collection method: clinical testing. Allele origin: germline. Affected: yes. Observed: 1 variant allele.
Comment: CACNA2D2: BP4, BP7

NM_006030.4(CACNA2D2):c.246C>T (p.Asp82=)

Gene: CACNA2D2 (calcium voltage-gated channel auxiliary subunit alpha2delta 2; minus strand). Cytogenetic location: 3p21.31.
Variant type: single nucleotide variant.
Coding change: c.246C>T on transcript NM_006030.4 (MANE Select); coding-DNA position 246, C replaced by T.
Protein change: p.Asp82=; no amino-acid change (aspartic acid 82 retained).
Molecular consequence: synonymous variant.
Genome position (GRCh38, 1-based): chr3:50,476,160, G>A on the plus strand (C>T on the coding strand, the complement: CACNA2D2 is on the minus strand). VCF-style: chr3-50476160-G-A. GRCh37 (hg19) VCF-style: chr3-50513591-G-A.
Other names: c.246C>T, p.Asp82= (NM_001005505.3, NM_001174051.3); c.39C>T, p.Asp13= (NM_001291101.1).
Identifiers: ClinVar variation 461313 (VCV000461313.32), dbSNP rs148056009, ClinGen allele CA2419286.
Genomic context (GRCh38, chr3:50,476,160, plus strand): 5'-AAGTGGCACCGGGCTCACCTCACGGAGCTGCTGGACGCCTCCAAAAATCCGCATCACGCC[G>A]TCGACCTCCTGCTCCAGACGCCGGGCCCAGTGCTGCATCCTGTATGCAGAGAGAGGAGAG-3'
Protein context (NP_006021.2, residues 72-92): HWARRLEQEV[Asp82=]GVMRIFGGVQ